The following is an entry in ClinVar:

ClinVar aggregate classification (germline): Benign/Likely benign. Review status: criteria provided, multiple submitters, no conflicts (2 of 4 stars). 13 submissions from 12 submitters: Benign (3); Likely benign (4). 6 of the submissions do not count toward it. Last evaluated 2026-09-01.

Conditions:
Niemann-Pick disease, type C1. Also called: NIEMANN-PICK DISEASE, VARIANT TYPE C1; NEUROVISCERAL STORAGE DISEASE WITH VERTICAL SUPRANUCLEAR OPHTHALMOPLEGIA; NIEMANN-PICK DISEASE WITH CHOLESTEROL ESTERIFICATION BLOCK; NIEMANN-PICK DISEASE WITHOUT SPHINGOMYELINASE DEFICIENCY; NIEMANN-PICK DISEASE, CHRONIC NEURONOPATHIC FORM. Identifiers: Orphanet 646, MedGen C3179455, MONDO:0009757, OMIM 257220.

Allele frequency attached by ClinVar (database versions not stated): 1000 Genomes Project 0.00559; ESP Exome Variant Server 0.00561.
gnomAD v4.1: 12,467 of 1,415,958 alleles (0.88%); highest among the groups gnomAD compares: Non-Finnish European, 1%; 670 homozygotes.

Submissions (13):

CeGaT Center for Human Genetics Tuebingen
Classification: Likely benign. Last evaluated: 2026-09-01. Review status: criteria provided, single submitter. Criteria: CeGaT Center For Human Genetics Tuebingen Variant Classification Criteria Version 2. Collection method: clinical testing. Allele origin: germline. Affected: yes. Observed: 32 variant alleles.
Comment: NPC1: BS2

Labcorp Genetics (formerly Invitae), Labcorp
Classification: Likely benign for Niemann-Pick disease, type C1. Last evaluated: 2026-02-02. Review status: criteria provided, single submitter. Criteria: Invitae Variant Classification Sherloc (09022015). Collection method: clinical testing. Allele origin: germline.

Fulgent Genetics
Classification: Benign for Niemann-Pick disease, type C1. Last evaluated: 2022-01-17. Review status: criteria provided, single submitter. Criteria: ACMG Guidelines, 2015. Collection method: clinical testing. Allele origin: unknown.

Illumina Laboratory Services, Illumina
Classification: Likely benign for Niemann-Pick disease type C1. Last evaluated: 2018-01-13. Review status: criteria provided, single submitter. Criteria: ICSL Variant Classification Criteria 13 December 2019. Collection method: clinical testing. Allele origin: germline.
Comment: This variant was observed in the ICSL laboratory as part of a predisposition screen in an ostensibly healthy population. It had not been previously curated by ICSL or reported in the Human Gene Mutation Database (HGMD: prior to June 1st, 2018), and was therefore a candidate for classification through an automated scoring system. Utilizing variant allele frequency, disease prevalence and penetrance estimates, and inheritance mode, an automated score was calculated to assess if this variant is too frequent to cause the disease. Based on the score and internal cut-off values, a variant classified as likely benign is not then subjected to further curation. The score for this variant resulted in a classification of likely benign for this disease.

GeneDx
Classification: Benign. Last evaluated: 2015-03-03. Review status: criteria provided, single submitter. Criteria: GeneDx Variant Classification Process June 2021. Collection method: clinical testing. Allele origin: germline. Affected: yes.

Eurofins Ntd Llc (ga)
Classification: Benign. Last evaluated: 2013-02-22. Review status: criteria provided, single submitter. Criteria: EGL Classification Definitions 2015. Collection method: clinical testing. Allele origin: germline. Observed: 1 variant allele, 1 heterozygote.

Breakthrough Genomics
Classification: Likely benign. Review status: criteria provided, single submitter. Criteria: ACMG Guidelines, 2015. Collection method: not provided. Allele origin: germline. Inheritance: Autosomal recessive inheritance. Affected: yes.

Natera, Inc.
Classification: Benign for Niemann-Pick disease type C1. Last evaluated: 2019-10-21. Review status: no assertion criteria provided. Collection method: clinical testing. Allele origin: germline. Not counted in ClinVar's aggregate classification.

Mayo Clinic Laboratories, Mayo Clinic
Classification: Likely benign. Last evaluated: 2017-05-10. Review status: no assertion criteria provided. Collection method: clinical testing. Allele origin: unknown. Not counted in ClinVar's aggregate classification.

Genome Diagnostics Laboratory, Amsterdam University Medical Center
Classification: Likely benign for Niemann-Pick disease, type C1. Last evaluated: 2016-06-20. Review status: no assertion criteria provided. Criteria: ACGS Guidelines, 2013. Collection method: clinical testing. Allele origin: germline. Affected: yes. Study: VKGL Data-share Consensus. Not counted in ClinVar's aggregate classification.

Clinical Genetics, Academic Medical Center
Classification: Benign. Review status: no assertion criteria provided. Collection method: clinical testing. Allele origin: germline. Affected: yes. Study: VKGL Data-share Consensus. Not counted in ClinVar's aggregate classification.

Diagnostic Laboratory, Department of Genetics, University Medical Center Groningen
Classification: Likely benign for Niemann-Pick disease, type C1. Review status: no assertion criteria provided. Collection method: clinical testing. Allele origin: germline. Affected: yes. Study: VKGL Data-share Consensus. Not counted in ClinVar's aggregate classification.

Genome Diagnostics Laboratory, Amsterdam University Medical Center
Classification: Benign. Review status: no assertion criteria provided. Collection method: clinical testing. Allele origin: germline. Affected: yes. Study: VKGL Data-share Consensus. Not counted in ClinVar's aggregate classification.

NM_000271.5(NPC1):c.1947+10G>C

Gene: NPC1 (NPC intracellular cholesterol transporter 1; minus strand). Cytogenetic location: 18q11.2.
Variant type: single nucleotide variant.
Coding change: c.1947+10G>C on transcript NM_000271.5 (MANE Select); 10 bases into the intron after coding-DNA position 1947, G replaced by C.
Molecular consequence: intron variant.
Genome position (GRCh38, 1-based): chr18:23,544,950, C>G on the plus strand (G>C on the coding strand, the complement: NPC1 is on the minus strand). VCF-style: chr18-23544950-C-G. GRCh37 (hg19) VCF-style: chr18-21124914-C-G.
Identifiers: ClinVar variation 92702 (VCV000092702.56), dbSNP rs71534236, ClinGen allele CA145953.
Genomic context (GRCh38, chr18:23,544,950, plus strand): 5'-GCAAAAATATGACGTTACACTGTGCACTGCTGTTAACCTCTAGAACATACACCACCCCCC[C>G]CCGGCTTACCAGAAGCCTGCGACAGCTTTTCATGTGCCCCAAGGCTAGGGAAATATATAG-3'